The following is an entry in ClinVar:

NM_001458.5(FLNC):c.3595A>G (p.Lys1199Glu)

Gene: FLNC (filamin C; plus strand). Cytogenetic location: 7q32.1.
Variant type: single nucleotide variant.
Coding change: c.3595A>G on transcript NM_001458.5 (MANE Select); coding-DNA position 3595, A replaced by G.
Protein change: p.Lys1199Glu; replaces lysine 1199 with glutamic acid.
Molecular consequence: missense variant.
Genome position (GRCh38, 1-based): chr7:128,845,060, A>G. VCF-style: chr7-128845060-A-G. GRCh37 (hg19) VCF-style: chr7-128485114-A-G.
Other names: c.3595A>G, p.Lys1199Glu (NM_001127487.2); short protein forms K1199E.
Identifiers: ClinVar variation 1498384 (VCV001498384.5), dbSNP rs753260970, ClinGen allele CA4475077.

ClinVar aggregate classification (germline): Uncertain significance (1 of 4 stars; one submission).

Conditions:
Myofibrillar myopathy 5. Also called: Filaminopathy (type); FILAMINOPATHY, AUTOSOMAL DOMINANT. Identifiers: Orphanet 171445, MedGen C1836050, MONDO:0012289, OMIM 609524.
Distal myopathy with posterior leg and anterior hand involvement. Also called: WILLIAMS DISTAL MYOPATHY. Identifiers: Orphanet 63273, MedGen C3279722, MONDO:0013550, OMIM 614065.
Hypertrophic cardiomyopathy 26. Also called: Cardiomyopathy, familial hypertrophic, 26. Identifiers: Orphanet 75249, MedGen C4310749, MONDO:0014883, OMIM 617047.
Dilated Cardiomyopathy, Dominant.

Allele frequency attached by ClinVar (database versions not stated): gnomAD exomes 0.00001 and 0.00002; TOPMed 0.00001; ExAC 0.00002; gnomAD 0.00002.
gnomAD v4.1: 7 of 1,613,664 alleles (0.00043%); highest among the groups gnomAD compares: African/African-American, 0.0013%; no homozygotes.

Submission:

Labcorp Genetics (formerly Invitae), Labcorp
Classification: Uncertain significance for Distal myopathy with posterior leg and anterior hand involvement; Myofibrillar myopathy 5; Hypertrophic cardiomyopathy 26. Last evaluated: 2021-10-26. Review status: criteria provided, single submitter. Criteria: Invitae Variant Classification Sherloc (09022015). Collection method: clinical testing. Allele origin: germline.
Comment: In summary, the available evidence is currently insufficient to determine the role of this variant in disease. Therefore, it has been classified as a Variant of Uncertain Significance. Algorithms developed to predict the effect of missense changes on protein structure and function are either unavailable or do not agree on the potential impact of this missense change (SIFT: "Deleterious"; PolyPhen-2: "Benign"; Align-GVGD: "Class C0"). This variant has not been reported in the literature in individuals with FLNC-related conditions. This variant is present in population databases (rs753260970, ExAC 0.005%). This sequence change replaces lysine with glutamic acid at codon 1199 of the FLNC protein (p.Lys1199Glu). The lysine residue is moderately conserved and there is a small physicochemical difference between lysine and glutamic acid.